The following is an entry in ClinVar:

ClinVar aggregate classification (germline): Conflicting classifications of pathogenicity. Review status: criteria provided, conflicting classifications (1 of 4 stars). 5 submissions from 5 submitters: Likely pathogenic (1); Uncertain significance (4). Last evaluated 2026-09-07.

Conditions:
Fetal anomalies with a likely genetic cause.
Aminoacylase 1 deficiency. Also called: Neurological conditions associated with aminoacylase 1 deficiency. Identifiers: Orphanet 137754, MedGen C1835922, MONDO:0012368, OMIM 609924.

Allele frequency attached by ClinVar (database versions not stated): gnomAD exomes 0.00012 and 0.00003; 1000 Genomes Project 0.00080; gnomAD 0.00006 and 0.00009; ExAC 0.00016; 1000 Genomes Project 30x 0.00078; TOPMed 0.00013.
gnomAD v4.1: 55 of 1,614,206 alleles (0.0034%); highest among the groups gnomAD compares: East Asian, 0.12%; no homozygotes.

Submissions (5):

Genetics Laboratory, Great Ormond Street Hospital NHS Foundation Trust, North Thames Genomic Laboratory Hub
Classification: Uncertain significance for Fetal anomalies with a likely genetic cause. Last evaluated: 2026-09-07. Review status: criteria provided, single submitter. Criteria: ACGS Best Practice Guidelines for Variant Classification in Rare Disease 2024 v1.2. Collection method: clinical testing. Allele origin: germline. Affected: yes.
Comment: PVS1_strong

First Genomix Gene Laboratory, Genetic Diagnostics Department
Classification: Likely pathogenic for Aminoacylase 1 deficiency. Last evaluated: 2025-09-17. Review status: criteria provided, single submitter. Criteria: ACMG Guidelines, 2015. Collection method: clinical testing. Allele origin: germline. Inheritance: Autosomal recessive inheritance. Affected: no. Observed: 1 variant allele.

Labcorp Genetics (formerly Invitae), Labcorp
Classification: Uncertain significance. Last evaluated: 2022-03-20. Review status: criteria provided, single submitter. Criteria: Invitae Variant Classification Sherloc (09022015). Collection method: clinical testing. Allele origin: germline.
Comment: This sequence change falls in intron 14 of the ACY1 gene. It does not directly change the encoded amino acid sequence of the ACY1 protein. It affects a nucleotide within the consensus splice site. This variant is present in population databases (rs143678651, gnomAD 0.2%). This variant has been observed in individual(s) with clinical features of ACY1-related conditions (PMID: 30919572, 31501239). ClinVar contains an entry for this variant (Variation ID: 488676). Variants that disrupt the consensus splice site are a relatively common cause of aberrant splicing (PMID: 17576681, 9536098). Algorithms developed to predict the effect of sequence changes on RNA splicing suggest that this variant may disrupt the consensus splice site. In summary, the available evidence is currently insufficient to determine the role of this variant in disease. Therefore, it has been classified as a Variant of Uncertain Significance.

GeneDx
Classification: Uncertain significance. Last evaluated: 2017-12-05. Review status: criteria provided, single submitter. Criteria: GeneDx Variant Classification (06012015). Collection method: clinical testing. Allele origin: germline. Affected: yes.
Comment: The c.1063-1G>A variant in the ACY1 gene has been reported previously in a clinical cohort from Qatar with suspected Mendelian, mainly neurocognitive phenotypes (Yavarna et al., 2015). This splice site variant destroys the canonical splice acceptor site in intron 14, which is predicted to cause abnormal gene splicing. The c.1063-1G>A variant is observed in 32/18866 (0.17%) alleles from individuals of East Asian background, in large population cohorts (Lek et al., 2016). We interpret c.1063-1G>A as a variant of uncertain significance.

Juno Genomics, Hangzhou Juno Genomics, Inc
Classification: Uncertain significance for Aminoacylase 1 deficiency. Review status: criteria provided, single submitter. Criteria: ACMG Guidelines, 2015. Collection method: clinical testing. Allele origin: germline.
Comment: Null variant in a gene where loss of function (LOF) is a known mechanism of disease.

Literature cited by the submitters: PubMed 30919572 (cited by Labcorp Genetics (formerly Invitae), Labcorp); PubMed 31501239 (cited by Labcorp Genetics (formerly Invitae), Labcorp); PubMed 17576681 (cited by Labcorp Genetics (formerly Invitae), Labcorp); PubMed 9536098 (cited by Labcorp Genetics (formerly Invitae), Labcorp).

NM_000666.3(ACY1):c.1063-1G>A

Genes: ABHD14A-ACY1 (ABHD14A-ACY1 readthrough; plus strand), ACY1 (aminoacylase 1; plus strand). Cytogenetic location: 3p21.2.
Variant type: single nucleotide variant.
Coding change: c.1063-1G>A on transcript NM_000666.3 (MANE Select); the canonical splice acceptor site of the intron before coding-DNA position 1063, G replaced by A.
Molecular consequence: splice acceptor variant.
Genome position (GRCh38, 1-based): chr3:51,988,910, G>A. VCF-style: chr3-51988910-G-A. GRCh37 (hg19) VCF-style: chr3-52022926-G-A.
Other names: c.1333-1G>A (NM_001316331.2); c.868-1G>A (NM_001198897.2); c.847-1G>A (NM_001198896.2); c.958-1G>A (NM_001198898.2); c.1063-1G>A (NM_001198895.2).
Identifiers: ClinVar variation 488676 (VCV000488676.6), dbSNP rs143678651, ClinGen allele CA2428752.